The following is an entry in ClinVar:

Conditions:
Breast-ovarian cancer, familial, susceptibility to, 1 (BROVCA1). Also called: BRCA1 Hereditary Breast and Ovarian Cancer; OVARIAN CANCER, SUSCEPTIBILITY TO. Identifiers: Orphanet 145, MedGen C2676676, MONDO:0011450, OMIM 604370. Disease mechanism: loss of function.

Submission:

Brotman Baty Institute, University of Washington
No classification provided (evidence only). Condition: Breast-ovarian cancer, familial 1. Review status: no classification provided. Collection method: in vitro. Allele origin: not applicable. Functional consequence: functionally_normal.
ClinVar note: "not provided" was previously submitted as the classification for the variant. However, the classification appeared to be based only on an observation of functional data so it was converted to no classification on 2025-07-30.

NM_007294.4(BRCA1):c.5332+4A>C

Gene: BRCA1 (BRCA1 DNA repair associated; minus strand). Cytogenetic location: 17q21.31.
Variant type: single nucleotide variant.
Coding change: c.5332+4A>C on transcript NM_007294.4 (MANE Select); 4 bases into the intron after coding-DNA position 5332, A replaced by C.
Molecular consequence: intron variant.
Genome position (GRCh38, 1-based): chr17:43,051,059, T>G on the plus strand (A>C on the coding strand, the complement: BRCA1 is on the minus strand). VCF-style: chr17-43051059-T-G. GRCh37 (hg19) VCF-style: chr17-41203076-T-G.
Other names: c.1879+4A>C (NM_001408458.1, NM_001408461.1, NM_001408464.1 and 7 more transcripts); c.4441+4A>C (NM_001407967.1); c.4951+4A>C (NM_001407959.1); c.5065+4A>C (NM_001407931.1, NM_001407932.1, NM_001407928.1 and 4 more transcripts); c.5188+4A>C (NM_001407747.1, NM_001407745.1, NM_001407737.1 and 21 more transcripts); c.4948+4A>C (NM_001407962.1, NM_001407960.1); c.1519+4A>C (NM_001408512.1); c.1642+4A>C (NM_001408510.1); and 74 more.
Identifiers: ClinVar variation 865318 (VCV000865318.3), dbSNP rs80358166, ClinGen allele CA916081024.
Genomic context (GRCh38, chr17:43,051,059, plus strand): 5'-ATAATACTCCACTATGTAAGACAAAGGCTGGTGCTGGAACTCTGGGGTTCTCCCAGGCTC[T>G]TACCTGTGGGCATGTTGGTGAAGGGCCCATAGCAACAGATTTCTAGCCCCCTGAAGATCT-3'